The following is an entry in ClinVar:

NM_001349884.2(DRAM2):c.115G>A (p.Ala39Thr)

Gene: DRAM2 (DNA damage regulated autophagy modulator 2; minus strand). Cytogenetic location: 1p13.3.
Variant type: single nucleotide variant.
Coding change: c.115G>A on transcript NM_001349884.2 (MANE Select); coding-DNA position 115, G replaced by A.
Protein change: p.Ala39Thr; replaces alanine 39 with threonine.
Molecular consequence: missense variant. On other transcripts: 5 prime UTR variant (8), non-coding transcript variant (8).
Genome position (GRCh38, 1-based): chr1:111,131,440, C>T on the plus strand (G>A on the coding strand, the complement: DRAM2 is on the minus strand). VCF-style: chr1-111131440-C-T. GRCh37 (hg19) VCF-style: chr1-111674062-C-T.
Other names: c.115G>A, p.Ala39Thr (NM_001349881.2, NM_001349882.2, NM_001349885.2 and 1 more transcripts); c.-44G>A (NM_001349886.2, NM_001349887.2, NM_001349888.2); c.-136G>A (NM_001349889.2, NM_001349890.2, NM_001349892.2 and 1 more transcripts); c.-304G>A (NM_001349891.2); short protein forms A39T.
Identifiers: ClinVar variation 1020230 (VCV001020230.9), dbSNP rs1368924963, ClinGen allele CA341819637.
Genomic context (GRCh38, chr1:111,131,440, plus strand): 5'-TGAGACATAAAGAGTCTCCTATACAAAGAATACATTTCACTTACCTGATATAAGGTAAAG[C>T]CGGGTCTATATGGTGGAGTGTTACTGCAGTAATGTATGAAAATATGAAAGCAGCAGATGT-3'
Protein context (NP_001336813.1, residues 29-49): TAVTLHHIDP[Ala39Thr]LPYISDTGTV

ClinVar aggregate classification (germline): Uncertain significance. Review status: criteria provided, multiple submitters, no conflicts (2 of 4 stars). 2 submissions from 2 submitters: Uncertain significance (2). Last evaluated 2025-08-21.

Allele frequency attached by ClinVar (database versions not stated): gnomAD exomes below 0.00001; gnomAD 0.00002; TOPMed 0.00002.
gnomAD v4.1: 10 of 1,613,470 alleles (0.00062%); highest among the groups gnomAD compares: African/African-American, 0.0053%; no homozygotes.

Submissions (2):

Labcorp Genetics (formerly Invitae), Labcorp
Classification: Uncertain significance. Last evaluated: 2025-08-21. Review status: criteria provided, single submitter. Criteria: Invitae Variant Classification Sherloc (09022015). Collection method: clinical testing. Allele origin: germline.
Comment: This sequence change replaces alanine, which is neutral and non-polar, with threonine, which is neutral and polar, at codon 39 of the DRAM2 protein (p.Ala39Thr). This variant is present in population databases (no rsID available, gnomAD 0.008%). This variant has not been reported in the literature in individuals affected with DRAM2-related conditions. ClinVar contains an entry for this variant (Variation ID: 1020230). Invitae Evidence Modeling of protein sequence and biophysical properties (such as structural, functional, and spatial information, amino acid conservation, physicochemical variation, residue mobility, and thermodynamic stability) indicates that this missense variant is not expected to disrupt DRAM2 protein function with a negative predictive value of 80%. In summary, the available evidence is currently insufficient to determine the role of this variant in disease. Therefore, it has been classified as a Variant of Uncertain Significance.

Breakthrough Genomics
Classification: Uncertain significance. Review status: criteria provided, single submitter. Criteria: ACMG Guidelines, 2015. Collection method: not provided. Allele origin: germline. Inheritance: Autosomal recessive inheritance. Affected: yes.